The following is an entry in ClinVar:

NM_000350.3(ABCA4):c.5560G>T (p.Val1854Leu)

Gene: ABCA4 (ATP binding cassette subfamily A member 4; minus strand). Cytogenetic location: 1p22.1.
Variant type: single nucleotide variant.
Coding change: c.5560G>T on transcript NM_000350.3 (MANE Select); coding-DNA position 5560, G replaced by T.
Protein change: p.Val1854Leu; replaces valine 1854 with leucine.
Molecular consequence: missense variant.
Genome position (GRCh38, 1-based): chr1:94,011,286, C>A on the plus strand (G>T on the coding strand, the complement: ABCA4 is on the minus strand). VCF-style: chr1-94011286-C-A. GRCh37 (hg19) VCF-style: chr1-94476842-C-A.
Other names: c.5338G>T, p.Val1780Leu (NM_001425324.1); short protein forms V1854L, V1780L.
Identifiers: ClinVar variation 493043 (VCV000493043.56), dbSNP rs374687000, ClinGen allele CA957223.

ClinVar aggregate classification (germline): Uncertain significance. Review status: criteria provided, multiple submitters, no conflicts (2 of 4 stars). 6 submissions from 6 submitters: Uncertain significance (6). Last evaluated 2026-05-05.

Conditions:
Cone-rod dystrophy. Also called: Cone-rod degeneration; Cone/cone-rod dystrophy. Identifiers: Orphanet 1872, MedGen C4085590, MONDO:0015993, HP:0000548.
ABCA4-related disorder. Also called: ABCA4-related disorders; ABCA4-related condition. Identifiers: MedGen CN239167.

Allele frequency attached by ClinVar (database versions not stated): gnomAD exomes 0.00002 and 0.00010; ExAC 0.00003; gnomAD 0.00003 and 0.00004; TOPMed 0.00003; ESP Exome Variant Server 0.00008.

Submissions (6):

PreventionGenetics, part of Exact Sciences
Classification: Uncertain significance for ABCA4-related condition. Last evaluated: 2026-05-05. Review status: criteria provided, single submitter. Criteria: ACMG Guidelines, 2015. Collection method: clinical testing. Allele origin: germline.
Comment: The ABCA4 c.5560G>T variant is predicted to result in the amino acid substitution p.Val1854Leu. This variant has been reported along with the ABCA4 variant c.5882G>A (p.Gly1961Glu) in an individual with retinal degeneration, but phasing was not determined (Table S2, Weisschuh et al. 2020. PubMed ID: 32531858). This variant has also been reported as a "third" ABCA4 variant along with c.5882G>A (p.Gly1961Glu) and c.3840_3845del (p.Asp1281_Ser1282del) in an individual with retinal disease (Lin et al. 2024. PubMed ID: 38219857). This variant is reported in 0.0054% of alleles in individuals of European (Non-Finnish) descent in gnomAD. The gnomAD variant co-occurrence tool indicates that this variant and the c.5882G>A (p.Gly1961Glu) are likely to be in cis as a complex allele. At this time, the clinical significance of this variant is uncertain due to the absence of conclusive functional and genetic evidence.

Labcorp Genetics (formerly Invitae), Labcorp
Classification: Uncertain significance. Last evaluated: 2025-04-28. Review status: criteria provided, single submitter. Criteria: Invitae Variant Classification Sherloc (09022015). Collection method: clinical testing. Allele origin: germline.
Comment: This sequence change replaces valine, which is neutral and non-polar, with leucine, which is neutral and non-polar, at codon 1854 of the ABCA4 protein (p.Val1854Leu). This variant is present in population databases (rs374687000, gnomAD 0.005%). This missense change has been observed in individual(s) with clinical features of inherited retinal dystrophy (PMID: 32531858, 38219857). ClinVar contains an entry for this variant (Variation ID: 493043). Invitae Evidence Modeling of protein sequence and biophysical properties (such as structural, functional, and spatial information, amino acid conservation, physicochemical variation, residue mobility, and thermodynamic stability) has been performed for this missense variant. However, the output from this modeling did not meet the statistical confidence thresholds required to predict the impact of this variant on ABCA4 protein function. In summary, the available evidence is currently insufficient to determine the role of this variant in disease. Therefore, it has been classified as a Variant of Uncertain Significance.

Molecular Genetics Laboratory, Institute for Ophthalmic Research
Classification: Uncertain significance for Cone-rod dystrophy. Last evaluated: 2023-12-12. Review status: criteria provided, single submitter. Criteria: ACMG Guidelines, 2015. Collection method: research. Allele origin: germline. Inheritance: Autosomal recessive inheritance. Affected: yes.

Blueprint Genetics
Classification: Uncertain significance. Last evaluated: 2023-07-05. Review status: criteria provided, single submitter. Criteria: ACMG Guidelines, 2015. Collection method: clinical testing. Allele origin: germline.

GeneDx
Classification: Uncertain significance. Last evaluated: 2020-11-16. Review status: criteria provided, single submitter. Criteria: GeneDx Variant Classification Process June 2021. Collection method: clinical testing. Allele origin: germline. Affected: yes.
Comment: In silico analysis supports that this missense variant does not alter protein structure/function; Has not been previously published as pathogenic or benign to our knowledge

CeGaT Center for Human Genetics Tuebingen
Classification: Uncertain significance. Last evaluated: 2019-01-01. Review status: criteria provided, single submitter. Criteria: CeGaT Center For Human Genetics Tuebingen Variant Classification Criteria Version 2. Collection method: clinical testing. Allele origin: germline. Affected: yes. Observed: 2 variant alleles.

Literature cited by the submitters: PubMed 32531858 (cited by Labcorp Genetics (formerly Invitae), Labcorp); PubMed 38219857 (cited by Labcorp Genetics (formerly Invitae), Labcorp).